The following is an entry in ClinVar:

NM_001326342.2(CELF2):c.883del (p.Ala295fs)

Gene: CELF2 (CUGBP Elav-like family member 2; plus strand). Cytogenetic location: 10p14.
Variant type: Deletion.
Coding change: c.883del on transcript NM_001326342.2 (MANE Select); coding-DNA position 883, one base deleted (G; older notation c.883delG).
Protein change: p.Ala295fs; shifts the reading frame from alanine 295.
Molecular consequence: frameshift variant.
Genome position (GRCh38, 1-based): chr10:11,288,459, G deleted. VCF-style (leftmost placement, unchanged base first): chr10-11288458-TG-T. GRCh37 (hg19) VCF-style: chr10-11330421-TG-T.
Other names: c.790del, p.Ala264fs (NM_001025076.2, NM_001083591.1, NM_001326317.2 and 15 more transcripts); c.862del, p.Ala288fs (NM_001025077.3, NM_001326331.2, NM_001326332.2 and 4 more transcripts); c.955del, p.Ala319fs (NM_001326325.2); c.898del, p.Ala300fs (NM_001326326.2, NM_001326327.2); c.178del, p.Ala60fs (NM_001326333.2, NM_001326346.2); c.529del, p.Ala177fs (NM_001326338.2, NM_001326339.2); c.883del, p.Ala295fs (NM_001326340.2, NM_001326341.2, NM_001326343.2 and 4 more transcripts); c.814del, p.Ala272fs (NM_001326347.1); short protein forms A177fs, A264fs, A272fs, A288fs, A295fs, A300fs, A319fs, A60fs.
Identifiers: ClinVar variation 3359034 (VCV003359034.3).

ClinVar aggregate classification (germline): Pathogenic (1 of 4 stars; one submission).

Conditions:
Developmental and epileptic encephalopathy 97 (DEE97). Identifiers: MedGen C5561999, MONDO:0030453, OMIM 619561.

Submission:

Institute of Human Genetics, University of Leipzig Medical Center
Classification: Pathogenic for Developmental and epileptic encephalopathy 97. Last evaluated: 2024-08-07. Review status: criteria provided, single submitter. Criteria: ACMG Guidelines, 2015. Collection method: clinical testing. Allele origin: unknown. Inheritance: Autosomal dominant inheritance. Affected: yes.
Comment: Criteria applied: PVS1,PM2